The following is an entry in ClinVar:

ClinVar aggregate classification (germline): Uncertain significance. Review status: criteria provided, multiple submitters, no conflicts (2 of 4 stars). 3 submissions from 2 submitters: Uncertain significance (3). Last evaluated 2025-10-29.

Conditions:
Immunodeficiency 27A (IMD27A). Also called: IMMUNODEFICIENCY 27A, MYCOBACTERIOSIS, AUTOSOMAL RECESSIVE; IFNGR1 DEFICIENCY, AUTOSOMAL RECESSIVE. Identifiers: Orphanet 319569, Orphanet 99898, MedGen C4011949, MONDO:0008856, OMIM 209950.
Autosomal dominant mendelian susceptibility to mycobacterial diseases due to partial IFNgammaR1 deficiency. Also called: IFNGR1 DEFICIENCY, AUTOSOMAL DOMINANT; IMMUNODEFICIENCY 27B, MYCOBACTERIOSIS, AUTOSOMAL DOMINANT; Immunodeficiency 27b. Identifiers: Orphanet 319581, MedGen C4014863, MONDO:0014429, OMIM 615978.
Helicobacter pylori infection, susceptibility to. Identifiers: MedGen C1838332, MONDO:0010853, OMIM 600263.
Hepatitis B virus, susceptibility to. Also called: HBV, SUSCEPTIBILITY TO. Identifiers: MedGen C1864880, MONDO:0012488, OMIM 610424.
Mycobacterium tuberculosis, susceptibility to. Identifiers: MedGen C1834752, OMIM 607948.
Disseminated atypical mycobacterial infection. Identifiers: MedGen C0694566.

Allele frequency attached by ClinVar (database versions not stated): gnomAD 0.00003; gnomAD exomes 0.00003 and 0.00011; ExAC 0.00010; TOPMed 0.00011.

Submissions (3):

Labcorp Genetics (formerly Invitae), Labcorp
Classification: Uncertain significance for Disseminated atypical mycobacterial infection. Last evaluated: 2025-10-29. Review status: criteria provided, single submitter. Criteria: Invitae Variant Classification Sherloc (09022015). Collection method: clinical testing. Allele origin: germline.
Comment: This sequence change replaces histidine, which is basic and polar, with arginine, which is basic and polar, at codon 222 of the IFNGR1 protein (p.His222Arg). This variant is present in population databases (rs768805562, gnomAD 0.2%). This variant has not been reported in the literature in individuals affected with IFNGR1-related conditions. ClinVar contains an entry for this variant (Variation ID: 625961). Invitae Evidence Modeling of protein sequence and biophysical properties (such as structural, functional, and spatial information, amino acid conservation, physicochemical variation, residue mobility, and thermodynamic stability) indicates that this missense variant is not expected to disrupt IFNGR1 protein function with a negative predictive value of 80%. Experimental studies have shown that this missense change does not substantially affect IFNGR1 function (PMID: 24199198). In summary, the available evidence is currently insufficient to determine the role of this variant in disease. Therefore, it has been classified as a Variant of Uncertain Significance.

Center for Genomics, Ann and Robert H. Lurie Children's Hospital of Chicago
Classification: Uncertain significance for Helicobacter pylori infection, susceptibility to; Immunodeficiency 27A; Autosomal dominant mendelian susceptibility to mycobacterial diseases due to partial IFNgammaR1 deficiency; Mycobacterium tuberculosis, susceptibility to; Hepatitis B virus, susceptibility to. Last evaluated: 2021-03-30. Review status: criteria provided, single submitter. Criteria: ACMG Guidelines, 2015. Collection method: clinical testing. Allele origin: germline.
Comment: IFNGR1 NM_000416.2 exon 5 p.His222Arg (c.665A>G): This variant has not been reported in the literature but is present in 0.1% (29/18870) of East Asian alleles in the Genome Aggregation Database. Evolutionary conservation and computational predictive tools suggest that this variant may not impact the protein. In summary, data on this variant is insufficient for disease classification. Therefore, the clinical significance of this variant is uncertain.

Center for Genomics, Ann and Robert H. Lurie Children's Hospital of Chicago
Classification: Uncertain significance for Immunodeficiency 27A; Autosomal dominant mendelian susceptibility to mycobacterial diseases due to partial IFNgammaR1 deficiency. Last evaluated: 2018-09-12. Review status: criteria provided, single submitter. Criteria: ACMG Guidelines, 2015. Collection method: clinical testing. Allele origin: germline.
Comment: the same text as in the submission from Center for Genomics, Ann and Robert H. Lurie Children's Hospital of Chicago above.

Literature cited by the submitters: PubMed 24199198 (cited by Labcorp Genetics (formerly Invitae), Labcorp).

NM_000416.3(IFNGR1):c.665A>G (p.His222Arg)

Gene: IFNGR1 (interferon gamma receptor 1; minus strand). Cytogenetic location: 6q23.3.
Variant type: single nucleotide variant.
Coding change: c.665A>G on transcript NM_000416.3 (MANE Select); coding-DNA position 665, A replaced by G.
Protein change: p.His222Arg; replaces histidine 222 with arginine.
Molecular consequence: missense variant.
Genome position (GRCh38, 1-based): chr6:137,203,567, T>C on the plus strand (A>G on the coding strand, the complement: IFNGR1 is on the minus strand). VCF-style: chr6-137203567-T-C. GRCh37 (hg19) VCF-style: chr6-137524704-T-C.
Other names: c.635A>G, p.His212Arg (NM_001363526.1); c.542A>G, p.His181Arg (NM_001363527.1); short protein forms H222R, H181R, H212R.
Identifiers: ClinVar variation 625961 (VCV000625961.12), dbSNP rs768805562, ClinGen allele CA4018907.